The following is an entry in ClinVar:

NM_000051.4(ATM):c.2286G>T (p.Leu762=)

Gene: ATM (ATM serine/threonine kinase; plus strand). Cytogenetic location: 11q22.3.
Variant type: single nucleotide variant.
Coding change: c.2286G>T on transcript NM_000051.4 (MANE Select); coding-DNA position 2286, G replaced by T.
Protein change: p.Leu762=; no amino-acid change (leucine 762 retained).
Molecular consequence: synonymous variant.
Genome position (GRCh38, 1-based): chr11:108,257,516, G>T. VCF-style: chr11-108257516-G-T. GRCh37 (hg19) VCF-style: chr11-108128243-G-T.
Other names: c.2286G>T, p.Leu762= (NM_001351834.2).
Identifiers: ClinVar variation 3254035 (VCV003254035.1), dbSNP rs2135406402.

ClinVar aggregate classification (germline): Benign (1 of 4 stars; one submission).

Conditions:
Familial cancer of breast. Also called: BREAST CANCER, FAMILIAL; Hereditary breast cancer; hereditary breast carcinoma. Identifiers: Orphanet 227535, MedGen C0346153, MONDO:0016419, OMIM 114480. Disease mechanism: loss of function.

Submission:

Myriad Genetics, Inc.
Classification: Benign for Familial cancer of breast. Last evaluated: 2024-05-08. Review status: criteria provided, single submitter. Criteria: Myriad Autosomal Dominant, Autosomal Recessive and X-Linked Classification Criteria (2023). Collection method: clinical testing. Allele origin: unknown.
Comment: This variant is considered benign. This variant is a silent/synonymous amino acid change and it is not expected to impact splicing.